The following is an entry in ClinVar:

ClinVar aggregate classification (germline): Uncertain significance (1 of 4 stars; one submission).

Conditions:
Hereditary cancer-predisposing syndrome. Also called: Tumor predisposition; Neoplastic Syndromes, Hereditary; Hereditary neoplastic syndrome; Hereditary Cancer Syndrome. Identifiers: Orphanet 140162, MedGen C0027672, MeSH D009386, MONDO:0015356.

Submission:

Ambry Genetics
Classification: Uncertain significance for Hereditary cancer-predisposing syndrome. Last evaluated: 2025-08-27. Review status: criteria provided, single submitter. Criteria: Ambry Variant Classification Scheme 2023. Collection method: clinical testing. Allele origin: germline.
Comment: The p.S324A variant (also known as c.970T>G), located in coding exon 11 of the MUTYH gene, results from a T to G substitution at nucleotide position 970. The serine at codon 324 is replaced by alanine, an amino acid with similar properties. This amino acid position is conserved. In addition, this alteration is predicted to be tolerated by in silico analysis. Based on the available evidence, the clinical significance of this variant remains unclear.

NM_001048174.2(MUTYH):c.886T>G (p.Ser296Ala)

Gene: MUTYH (mutY DNA glycosylase; minus strand). Cytogenetic location: 1p34.1.
Variant type: single nucleotide variant.
Coding change: c.886T>G on transcript NM_001048174.2 (MANE Select); coding-DNA position 886, T replaced by G.
Protein change: p.Ser296Ala; replaces serine 296 with alanine.
Molecular consequence: missense variant. On other transcripts: non-coding transcript variant (7).
Genome position (GRCh38, 1-based): chr1:45,332,050, A>C on the plus strand (T>G on the coding strand, the complement: MUTYH is on the minus strand). VCF-style: chr1-45332050-A-C. GRCh37 (hg19) VCF-style: chr1-45797722-A-C.
Other names: c.931T>G, p.Ser311Ala (NM_001293190.2); c.919T>G, p.Ser307Ala (NM_001293191.2, NM_001407069.1, NM_001407077.1); c.610T>G, p.Ser204Ala (NM_001293192.2, NM_001293196.2, NM_001407091.1); c.886T>G, p.Ser296Ala (NM_001293195.2, NM_001407070.1, NM_001407088.1 and 6 more transcripts); c.541T>G, p.Ser181Ala (NM_001350650.2, NM_001350651.2, NM_001407082.1); c.928T>G, p.Ser310Ala (NM_001407083.1, NM_001407085.1); c.889T>G, p.Ser297Ala (NM_001407086.1, NM_001048172.2, NM_001407071.1 and 1 more transcripts); c.907T>G, p.Ser303Ala (NM_001407087.1); and 5 more; short protein forms S204A, S282A, S283A, S303A, S321A, S268A, S307A, S181A.
Identifiers: ClinVar variation 4112795 (VCV004112795.1).